The following is an entry in ClinVar:

ClinVar aggregate classification (germline): Pathogenic (1 of 4 stars; one submission).

Conditions:
Hereditary cancer-predisposing syndrome. Also called: Hereditary Cancer Syndrome; Hereditary neoplastic syndrome; Neoplastic Syndromes, Hereditary; Tumor predisposition. Identifiers: Orphanet 140162, MedGen C0027672, MeSH D009386, MONDO:0015356.

Submission:

Ambry Genetics
Classification: Pathogenic for Hereditary cancer-predisposing syndrome. Last evaluated: 2025-07-30. Review status: criteria provided, single submitter. Criteria: Ambry Variant Classification Scheme 2023. Collection method: clinical testing. Allele origin: germline.
Comment: The c.679_680dupAC pathogenic mutation, located in coding exon 4 of the FLCN gene, results from a duplication of AC at nucleotide position 679, causing a translational frameshift with a predicted alternate stop codon (p.P228Rfs*15). This variant is considered to be rare based on population cohorts in the Genome Aggregation Database (gnomAD). This alteration is expected to result in loss of function by premature protein truncation or nonsense-mediated mRNA decay. As such, this alteration is interpreted as a disease-causing mutation.

NM_144997.7(FLCN):c.679_680dup (p.Pro228fs)

Gene: FLCN (folliculin; minus strand). Cytogenetic location: 17p11.2.
Variant type: Duplication.
Coding change: c.679_680dup on transcript NM_144997.7 (MANE Select); coding-DNA positions 679 to 680, 2 bases duplicated (AC; older notation c.679_680dupAC).
Protein change: p.Pro228fs; shifts the reading frame from proline 228.
Molecular consequence: frameshift variant.
Genome position (GRCh38, 1-based): chr17:17,222,600-17,222,601, GT duplicated on the plus strand (AC on the coding strand, the reverse complement: FLCN is on the minus strand); duplicating any 2 consecutive bases within chr17:17,222,600-17,222,602 gives the same sequence; the c. name uses the placement nearest the transcript's 3' end. VCF-style (leftmost placement, unchanged base first): chr17-17222599-C-CGT. GRCh37 (hg19) VCF-style: chr17-17125913-C-CGT.
Other names: c.733_734dup, p.Pro246fs (NM_001353229.2); c.679_680dup, p.Pro228fs (NM_001353230.2, NM_001353231.2, NM_144606.7); c.679_680dupAC (NM_144997.5); short protein forms P228fs, P246fs.
Identifiers: ClinVar variation 4257934 (VCV004257934.1).
Genomic context (GRCh38, chr17:17,222,599, plus strand): 5'-ATCACTTGTCAGCGATGTCAGCGAGCGGGCGGCGTTGCCGTTCCTCTGGTGTAGGAATGG[C>CGT]GTGAAGGCTGTGTTCATCCTCTGAGCACGCTGTGGGCATCCAAACTGCTCTGCCTCAAAC-3'